The following is an entry in ClinVar:

ClinVar aggregate classification (germline): Uncertain significance (1 of 4 stars; one submission).

Allele frequency attached by ClinVar (database versions not stated): TOPMed 0.00019; gnomAD 0.00017 and 0.00016.

Submission:

Labcorp Genetics (formerly Invitae), Labcorp
Classification: Uncertain significance. Last evaluated: 2025-12-19. Review status: criteria provided, single submitter. Criteria: Invitae Variant Classification Sherloc (09022015). Collection method: clinical testing. Allele origin: germline.
Comment: This sequence change affects codon 314 of the ATRN mRNA. It is a 'silent' change, meaning that it does not change the encoded amino acid sequence of the ATRN protein. It affects a nucleotide within the consensus splice site. This variant is present in population databases (rs199516815, gnomAD 0.06%), and has an allele count higher than expected for a pathogenic variant. This variant has not been reported in the literature in individuals affected with ATRN-related conditions. ClinVar contains an entry for this variant (Variation ID: 1471454). Algorithms developed to predict the effect of sequence changes on RNA splicing suggest that this variant is not likely to affect RNA splicing. In summary, the available evidence is currently insufficient to determine the role of this variant in disease. Therefore, it has been classified as a Variant of Uncertain Significance.

NM_139321.3(ATRN):c.942G>A (p.Gln314=)

Gene: ATRN (attractin; plus strand). Cytogenetic location: 20p13.
Variant type: single nucleotide variant.
Coding change: c.942G>A on transcript NM_139321.3 (MANE Select); coding-DNA position 942, G replaced by A.
Protein change: p.Gln314=; no amino-acid change (glutamine 314 retained).
Molecular consequence: synonymous variant.
Genome position (GRCh38, 1-based): chr20:3,547,488, G>A. VCF-style: chr20-3547488-G-A. GRCh37 (hg19) VCF-style: chr20-3528135-G-A.
Other names: c.594G>A, p.Gln198= (NM_001207047.3); c.942G>A, p.Gln314= (NM_001323332.2, NM_139322.4).
Identifiers: ClinVar variation 1471454 (VCV001471454.6), dbSNP rs199516815, ClinGen allele CA9743929.